The following is an entry in ClinVar:

NM_001080467.3(MYO5B):c.1958A>G (p.His653Arg)

Gene: MYO5B (myosin VB; minus strand). Cytogenetic location: 18q21.1.
Variant type: single nucleotide variant.
Coding change: c.1958A>G on transcript NM_001080467.3 (MANE Select); coding-DNA position 1958, A replaced by G.
Protein change: p.His653Arg; replaces histidine 653 with arginine.
Molecular consequence: missense variant.
Genome position (GRCh38, 1-based): chr18:49,936,297, T>C on the plus strand (A>G on the coding strand, the complement: MYO5B is on the minus strand). VCF-style: chr18-49936297-T-C. GRCh37 (hg19) VCF-style: chr18-47462667-T-C.
Other names: p.His653Arg; c.1958A>G (NM_001080467.2); short protein forms H653R.
Identifiers: ClinVar variation 1407931 (VCV001407931.10), dbSNP rs190575106, ClinGen allele CA8961303.

ClinVar aggregate classification (germline): Uncertain significance. Review status: criteria provided, multiple submitters, no conflicts (2 of 4 stars). 4 submissions from 4 submitters: Uncertain significance (4). Last evaluated 2025-07-01.

Conditions:
Inborn genetic diseases. Identifiers: MedGen C0950123, MeSH D030342.
MYO5B-related disorder. Also called: MYO5B-related condition.

Allele frequency attached by ClinVar (database versions not stated): gnomAD exomes 0.00001 and 0.00008; gnomAD 0.00005; TOPMed 0.00006; ExAC 0.00013; 1000 Genomes Project 30x 0.00016; 1000 Genomes Project 0.00020.
gnomAD v4.1: 27 of 1,604,054 alleles (0.0017%); highest among the groups gnomAD compares: East Asian, 0.045%; no homozygotes.

Submissions (4):

Mayo Clinic Laboratories, Mayo Clinic
Classification: Uncertain significance. Last evaluated: 2025-07-01. Review status: criteria provided, single submitter. Criteria: ACMG Guidelines, 2015. Collection method: clinical testing. Allele origin: germline. Observed: 1 variant allele.
Comment: PP3_strong

PreventionGenetics, part of Exact Sciences
Classification: Uncertain significance for MYO5B-related condition. Last evaluated: 2024-12-13. Review status: criteria provided, single submitter. Criteria: ACMG Guidelines, 2015. Collection method: clinical testing. Allele origin: germline.
Comment: The MYO5B c.1958A>G variant is predicted to result in the amino acid substitution p.His653Arg. To our knowledge, this variant has not been reported in the literature. This variant is reported in 0.11% of alleles in individuals of East Asian descent in gnomAD, which may be too common to be a primary cause of disease. Although we suspect that this variant may be benign, at this time, the clinical significance of this variant is uncertain due to the absence of conclusive functional and genetic evidence.

Ambry Genetics
Classification: Uncertain significance for Inborn genetic diseases. Last evaluated: 2023-05-18. Review status: criteria provided, single submitter. Criteria: Ambry Variant Classification Scheme 2023. Collection method: clinical testing. Allele origin: germline.

Labcorp Genetics (formerly Invitae), Labcorp
Classification: Uncertain significance. Last evaluated: 2022-06-15. Review status: criteria provided, single submitter. Criteria: Invitae Variant Classification Sherloc (09022015). Collection method: clinical testing. Allele origin: germline.
Comment: In summary, the available evidence is currently insufficient to determine the role of this variant in disease. Therefore, it has been classified as a Variant of Uncertain Significance. Algorithms developed to predict the effect of missense changes on protein structure and function are either unavailable or do not agree on the potential impact of this missense change (SIFT: "Deleterious"; PolyPhen-2: "Probably Damaging"; Align-GVGD: "Class C0"). This variant has not been reported in the literature in individuals affected with MYO5B-related conditions. This variant is present in population databases (rs190575106, gnomAD 0.1%). This sequence change replaces histidine, which is basic and polar, with arginine, which is basic and polar, at codon 653 of the MYO5B protein (p.His653Arg).